The following is an entry in ClinVar:

ClinVar aggregate classification (germline): Uncertain significance (1 of 4 stars; one submission).

Conditions:
Luscan-Lumish syndrome. Identifiers: Orphanet 597738, MedGen C4085873, MONDO:0014791, OMIM 616831.

Allele frequency attached by ClinVar (database versions not stated): gnomAD exomes below 0.00001.
gnomAD v4.1: 2 of 1,614,206 alleles (0.00012%); highest among the groups gnomAD compares: South Asian, 0.0011%; no homozygotes.

Submission:

Laboratorio de Genetica e Diagnostico Molecular, Hospital Israelita Albert Einstein
Classification: Uncertain significance for Luscan-Lumish syndrome. Last evaluated: 2021-10-28. Review status: criteria provided, single submitter. Criteria: ACMG Guidelines, 2015. Collection method: clinical testing. Allele origin: germline. Affected: yes.
Comment: ACMG classification criteria: PM2 moderate, BP4 supporting

NM_014159.7(SETD2):c.3733C>T (p.His1245Tyr)

Gene: SETD2 (SET domain containing 2, histone lysine methyltransferase; minus strand). Cytogenetic location: 3p21.31.
Variant type: single nucleotide variant.
Coding change: c.3733C>T on transcript NM_014159.7 (MANE Select); coding-DNA position 3733, C replaced by T.
Protein change: p.His1245Tyr; replaces histidine 1245 with tyrosine.
Molecular consequence: missense variant. On other transcripts: non-coding transcript variant (1).
Genome position (GRCh38, 1-based): chr3:47,120,903, G>A on the plus strand (C>T on the coding strand, the complement: SETD2 is on the minus strand). VCF-style: chr3-47120903-G-A. GRCh37 (hg19) VCF-style: chr3-47162393-G-A.
Other names: c.3601C>T, p.His1201Tyr (NM_001349370.3); short protein forms H1201Y, H1245Y.
Identifiers: ClinVar variation 1683657 (VCV001683657.2), dbSNP rs2107747302, ClinGen allele CA352521383.